The following is an entry in ClinVar:

ClinVar aggregate classification (germline): Uncertain significance (1 of 4 stars; one submission).

Conditions:
Hypertrophic cardiomyopathy 1 (CMH1). Also called: MYH7-Related Familial Hypertrophic Cardiomyopathy; Familial hypertrophic cardiomyopathy 1. Identifiers: MedGen C3495498, MONDO:0008647, OMIM 192600.

Allele frequency attached by ClinVar (database versions not stated): gnomAD exomes below 0.00001; ExAC 0.00001; gnomAD 0.00001; 1000 Genomes Project 0.00020; 1000 Genomes Project 30x 0.00031.
gnomAD v4.1: 5 of 1,614,066 alleles (0.00031%); highest among the groups gnomAD compares: Admixed American, 0.0067%; no homozygotes.

Submission:

Labcorp Genetics (formerly Invitae), Labcorp
Classification: Uncertain significance for Hypertrophic cardiomyopathy 1. Last evaluated: 2022-04-21. Review status: criteria provided, single submitter. Criteria: Invitae Variant Classification Sherloc (09022015). Collection method: clinical testing. Allele origin: germline.
Comment: This sequence change replaces methionine, which is neutral and non-polar, with valine, which is neutral and non-polar, at codon 220 of the MYLK2 protein (p.Met220Val). This variant is present in population databases (rs565588866, gnomAD 0.0009%). This variant has not been reported in the literature in individuals affected with MYLK2-related conditions. Algorithms developed to predict the effect of missense changes on protein structure and function output the following: SIFT: "Tolerated"; PolyPhen-2: "Benign"; Align-GVGD: "Class C0". The valine amino acid residue is found in multiple mammalian species, which suggests that this missense change does not adversely affect protein function. Algorithms developed to predict the effect of sequence changes on RNA splicing suggest that this variant may disrupt the consensus splice site. In summary, the available evidence is currently insufficient to determine the role of this variant in disease. Therefore, it has been classified as a Variant of Uncertain Significance.

NM_033118.4(MYLK2):c.658A>G (p.Met220Val)

Gene: MYLK2 (myosin light chain kinase 2; plus strand). Cytogenetic location: 20q11.21.
Variant type: single nucleotide variant.
Coding change: c.658A>G on transcript NM_033118.4 (MANE Select); coding-DNA position 658, A replaced by G.
Protein change: p.Met220Val; replaces methionine 220 with valine.
Molecular consequence: missense variant.
Genome position (GRCh38, 1-based): chr20:31,821,623, A>G. VCF-style: chr20-31821623-A-G. GRCh37 (hg19) VCF-style: chr20-30409426-A-G.
Other names: short protein forms M220V.
Identifiers: ClinVar variation 2152950 (VCV002152950.4), dbSNP rs565588866, ClinGen allele CA9802968.